The following is an entry in ClinVar:

NM_003172.4(SURF1):c.641_643del (p.Gln214del)

Gene: SURF1 (SURF1 cytochrome c oxidase assembly factor; minus strand). Cytogenetic location: 9q34.2.
Variant type: Deletion.
Coding change: c.641_643del on transcript NM_003172.4 (MANE Select); coding-DNA positions 641 to 643, 3 bases deleted (AGC; older notation c.641_643delAGC).
Protein change: p.Gln214del; deletes glutamine 214.
Molecular consequence: inframe deletion.
Genome position (GRCh38, 1-based): chr9:133,352,554-133,352,556, GCT deleted on the plus strand (AGC on the coding strand, the reverse complement: SURF1 is on the minus strand); deleting any 3 consecutive bases within chr9:133,352,554-133,352,558 gives the same sequence; the c. name uses the placement nearest the transcript's 3' end. VCF-style (leftmost placement, unchanged base first): chr9-133352553-GGCT-G. GRCh37 (hg19) VCF-style: chr9-136219408-GGCT-G.
Other names: c.314_316del, p.Gln105del (NM_001280787.1); short protein forms Q105del, Q214del.
Identifiers: ClinVar variation 1385001 (VCV001385001.6), dbSNP rs2119081112, ClinGen allele CA2573144048.
Genomic context (GRCh38, chr9:133,352,553, plus strand): 5'-ATAGCTTCCAGGTCTCGATAATGCCAGTGGTTCCTTTCTGGATTGTTCTCAGGGACAAAA[GGCT>G]GCCTGGTTTCTGTCAGCCTCACCATCCCAATGAGGTCCACTTCTCCCTCAATCTATAAAG-3'

ClinVar aggregate classification (germline): Uncertain significance (1 of 4 stars; one submission).

Conditions:
Leigh syndrome (NULS). Also called: Leigh Syndrome (mtDNA deletion); Leigh's syndrome; LEIGH SYNDROME, NUCLEAR; Leigh's necrotizing encephalopathy; Leigh's disease; Leigh Disease. Identifiers: Orphanet 506, MedGen C2931891, MONDO:0009723, OMIM 256000.

Submission:

Labcorp Genetics (formerly Invitae), Labcorp
Classification: Uncertain significance for Leigh syndrome. Last evaluated: 2021-10-08. Review status: criteria provided, single submitter. Criteria: Invitae Variant Classification Sherloc (09022015). Collection method: clinical testing. Allele origin: germline.
Comment: In summary, the available evidence is currently insufficient to determine the role of this variant in disease. Therefore, it has been classified as a Variant of Uncertain Significance. Experimental studies and prediction algorithms are not available or were not evaluated, and the functional significance of this variant is currently unknown. This variant has not been reported in the literature in individuals affected with SURF1-related conditions. This variant is not present in population databases (ExAC no frequency). This variant, c.641_643del, results in the deletion of 1 amino acid(s) of the SURF1 protein (p.Gln214del), but otherwise preserves the integrity of the reading frame.